The following is an entry in ClinVar:

NM_000218.3(KCNQ1):c.1394-15436dup

Genes: KCNQ1 (potassium voltage-gated channel subfamily Q member 1; plus strand), KCNQ1OT1 (KCNQ1 opposite strand/antisense transcript 1; minus strand). Cytogenetic location: 11p15.5.
Variant type: Duplication.
Coding change: c.1394-15436dup on transcript NM_000218.3 (MANE Select); 15436 bases into the intron before coding-DNA position 1394, one base duplicated (T; older notation c.1394-15436dupT).
Molecular consequence: intron variant. On other transcripts: non-coding transcript variant (1).
Genome position (GRCh38, 1-based): chr11:2,646,525, T duplicated; the last of 6 consecutive T bases (chr11:2,646,520-2,646,525); duplicating any one gives the same sequence. VCF-style (leftmost placement, unchanged base first): chr11-2646519-A-AT. GRCh37 (hg19) VCF-style: chr11-2667749-A-AT.
Other names: c.1124-15436dup (NM_001406837.1); c.1298-15436dup (NM_001406836.1); c.854-15436dup (NM_001406838.1); c.1013-15436dup (NM_181798.2).
Identifiers: ClinVar variation 4681704 (VCV004681704.5).

ClinVar aggregate classification (germline): Likely benign (1 of 4 stars; one submission).

Submission:

CeGaT Center for Human Genetics Tuebingen
Classification: Likely benign. Last evaluated: 2025-12-01. Review status: criteria provided, single submitter. Criteria: CeGaT Center For Human Genetics Tuebingen Variant Classification Criteria Version 2. Collection method: clinical testing. Allele origin: germline. Affected: yes. Observed: 1 variant allele.
Comment: KCNQ1OT1: BS2